The following is an entry in ClinVar:

NM_004820.5(CYP7B1):c.440G>A (p.Gly147Asp)

Gene: CYP7B1 (cytochrome P450 family 7 subfamily B member 1; minus strand). Cytogenetic location: 8q12.3.
Variant type: single nucleotide variant.
Coding change: c.440G>A on transcript NM_004820.5 (MANE Select); coding-DNA position 440, G replaced by A.
Protein change: p.Gly147Asp; replaces glycine 147 with aspartic acid.
Molecular consequence: missense variant.
Genome position (GRCh38, 1-based): chr8:64,616,101, C>T on the plus strand (G>A on the coding strand, the complement: CYP7B1 is on the minus strand). VCF-style: chr8-64616101-C-T. GRCh37 (hg19) VCF-style: chr8-65528658-C-T.
Other names: c.440G>A, p.Gly147Asp (NM_001324112.2); short protein forms G147D.
Identifiers: ClinVar variation 381743 (VCV000381743.56), dbSNP rs754730601, ClinGen allele CA4764210.

ClinVar aggregate classification (germline): Conflicting classifications of pathogenicity. Review status: criteria provided, conflicting classifications (1 of 4 stars). 7 submissions from 7 submitters: Pathogenic (1); Likely pathogenic (3); Uncertain significance (3). Last evaluated 2025-04-08.

Conditions:
Spastic paraplegia. Identifiers: MedGen C0037772, HP:0001258.
CYP7B1-related disorder. Also called: CYP7B1-related condition.
Hereditary spastic paraplegia 5A (SPG5A). Also called: SPASTIC PARAPLEGIA 5A, AUTOSOMAL RECESSIVE. Identifiers: Orphanet 100986, MedGen C1849115, MONDO:0010047, OMIM 270800.
Hereditary spastic paraplegia. Also called: Familial spastic paraparesis. Identifiers: Orphanet 685, MedGen C0037773, MONDO:0019064. Disease mechanism: loss of function.

Allele frequency attached by ClinVar (database versions not stated): TOPMed below 0.00001; gnomAD exomes 0.00001; ExAC 0.00002.
gnomAD v4.1: 11 of 1,613,596 alleles (0.00068%); highest among the groups gnomAD compares: Non-Finnish European, 0.00093%; no homozygotes.

Submissions (7):

Women's Health and Genetics/Laboratory Corporation of America, LabCorp
Classification: Likely pathogenic for Hereditary spastic paraplegia. Last evaluated: 2025-04-08. Review status: criteria provided, single submitter. Criteria: LabCorp Variant Classification Summary - May 2015. Collection method: clinical testing. Allele origin: germline.
Comment: Variant summary: CYP7B1 c.440G>A (p.Gly147Asp) results in a non-conservative amino acid change in the encoded protein sequence. Five of five in-silico tools predict a damaging effect of the variant on protein function. The variant allele was found at a frequency of 8e-06 in 250988 control chromosomes (gnomAD). c.440G>A has been reported in the literature in individuals affected with Hereditary Spastic Paraplegia, Type 5a (Roos_2014, Coutelier_2018, Marelli_2018, Mreaux_2022). These data indicate that the variant is likely to be associated with disease. To our knowledge, no experimental evidence demonstrating an impact on protein function has been reported. The following publications have been ascertained in the context of this evaluation (PMID: 29482223, 29228183, 34983064, 24117163). ClinVar contains an entry for this variant (Variation ID: 381743). Based on the evidence outlined above, the variant was classified as likely pathogenic.

Labcorp Genetics (formerly Invitae), Labcorp
Classification: Uncertain significance for Spastic paraplegia. Last evaluated: 2021-08-30. Review status: criteria provided, single submitter. Criteria: Invitae Variant Classification Sherloc (09022015). Collection method: clinical testing. Allele origin: germline.
Comment: This sequence change replaces glycine with aspartic acid at codon 147 of the CYP7B1 protein (p.Gly147Asp). The glycine residue is highly conserved and there is a moderate physicochemical difference between glycine and aspartic acid. This variant is present in population databases (rs754730601, ExAC 0.003%). This missense change has been observed in individual(s) with CYP7B1-related conditions (PMID: 24117163, 29482223). ClinVar contains an entry for this variant (Variation ID: 381743). Algorithms developed to predict the effect of missense changes on protein structure and function (SIFT, PolyPhen-2, Align-GVGD) all suggest that this variant is likely to be disruptive. In summary, the available evidence is currently insufficient to determine the role of this variant in disease. Therefore, it has been classified as a Variant of Uncertain Significance.

Blueprint Genetics
Classification: Likely pathogenic for CYP7B1-related disorders. Last evaluated: 2021-08-26. Review status: criteria provided, single submitter. Criteria: ACMG Guidelines, 2015. Collection method: clinical testing. Allele origin: germline. Affected: yes. Observed: 3 variant alleles.

CeGaT Center for Human Genetics Tuebingen
Classification: Uncertain significance. Last evaluated: 2020-03-01. Review status: criteria provided, single submitter. Criteria: CeGaT Center For Human Genetics Tuebingen Variant Classification Criteria Version 2. Collection method: clinical testing. Allele origin: germline. Affected: yes. Observed: 1 variant allele.

GeneDx
Classification: Likely pathogenic. Last evaluated: 2020-02-01. Review status: criteria provided, single submitter. Criteria: GeneDx Variant Classification Process June 2021. Collection method: clinical testing. Allele origin: germline. Affected: yes.
Comment: Not observed at a significant frequency in large population cohorts (Lek et al., 2016); In silico analysis supports that this missense variant has a deleterious effect on protein structure/function; This variant is associated with the following publications: (PMID: 29482223, 24117163)

Eurofins Ntd Llc (ga)
Classification: Uncertain significance. Last evaluated: 2017-06-27. Review status: criteria provided, single submitter. Criteria: EGL Classification Definitions 2015. Collection method: clinical testing. Allele origin: germline. Observed: 1 variant allele, 1 heterozygote.

Paris Brain Institute, Inserm - ICM
Classification: Pathogenic for Hereditary spastic paraplegia 5A. Review status: criteria provided, single submitter. Criteria: ACMG Guidelines, 2015. Collection method: clinical testing. Allele origin: unknown. Affected: yes. Observed: 1 variant allele.

Literature cited by the submitters: PubMed 29482223 (cited by Women's Health and Genetics/Laboratory Corporation of America, LabCorp and Labcorp Genetics (formerly Invitae), Labcorp); PubMed 24117163 (cited by Women's Health and Genetics/Laboratory Corporation of America, LabCorp and Labcorp Genetics (formerly Invitae), Labcorp); PubMed 34983064 (cited by Women's Health and Genetics/Laboratory Corporation of America, LabCorp); PubMed 29228183 (cited by Women's Health and Genetics/Laboratory Corporation of America, LabCorp).